The following is an entry in ClinVar:

ClinVar aggregate classification (germline): Uncertain significance. Review status: criteria provided, multiple submitters, no conflicts (2 of 4 stars). 3 submissions from 3 submitters: Uncertain significance (3). Last evaluated 2024-04-30.

Conditions:
Telangiectasia, hereditary hemorrhagic, type 2 (HHT2). Also called: ACVRL1-Related Hereditary Hemorrhagic Telangiectasia; Telangiectasia, hereditary hemorrhagic, type II. Identifiers: Orphanet 774, MedGen C1838163, MONDO:0010880, OMIM 600376. Disease mechanism: loss of function.
Telangiectasia of the skin. Identifiers: MedGen C4022018, HP:0100585.
Lip telangiectasia. Identifiers: MedGen C1857697, HP:0000214.
Oral cavity telangiectasia. Identifiers: MedGen C4025877, HP:0000228.
Spontaneous, recurrent epistaxis. Identifiers: MedGen C3809715, HP:0004406.

Submissions (3):

Labcorp Genetics (formerly Invitae), Labcorp
Classification: Uncertain significance for Telangiectasia, hereditary hemorrhagic, type 2. Last evaluated: 2024-04-30. Review status: criteria provided, single submitter. Criteria: Invitae Variant Classification Sherloc (09022015). Collection method: clinical testing. Allele origin: germline.
Comment: This sequence change replaces tyrosine, which is neutral and polar, with aspartic acid, which is acidic and polar, at codon 88 of the ACVRL1 protein (p.Tyr88Asp). This variant is not present in population databases (gnomAD no frequency). This missense change has been observed in individual(s) with hereditary hemorrhagic telangiectasia (Invitae). ClinVar contains an entry for this variant (Variation ID: 523311). Advanced modeling of protein sequence and biophysical properties (such as structural, functional, and spatial information, amino acid conservation, physicochemical variation, residue mobility, and thermodynamic stability) has been performed at Invitae for this missense variant, however the output from this modeling did not meet the statistical confidence thresholds required to predict the impact of this variant on ACVRL1 protein function. This variant disrupts the p.Tyr88 amino acid residue in ACVRL1. Other variant(s) that disrupt this residue have been observed in individuals with ACVRL1-related conditions (PMID: 32300199), which suggests that this may be a clinically significant amino acid residue. In summary, the available evidence is currently insufficient to determine the role of this variant in disease. Therefore, it has been classified as a Variant of Uncertain Significance.

Mayo Clinic Laboratories, Mayo Clinic
Classification: Uncertain significance. Last evaluated: 2023-11-27. Review status: criteria provided, single submitter. Criteria: ACMG Guidelines, 2015. Collection method: clinical testing. Allele origin: germline. Observed: 1 variant allele.
Comment: PP2, PM2

Centre for Mendelian Genomics, University Medical Centre Ljubljana
Classification: Uncertain significance for Lip telangiectasia; Oral cavity telangiectasia; Spontaneous, recurrent epistaxis; Telangiectasia of the skin. Last evaluated: 2017-01-01. Review status: criteria provided, single submitter. Criteria: ACMG Guidelines, 2015. Collection method: clinical testing. Allele origin: unknown. Affected: yes.

Literature cited by the submitters: PubMed 32300199 (cited by Labcorp Genetics (formerly Invitae), Labcorp).

NM_000020.3(ACVRL1):c.262T>G (p.Tyr88Asp)

Gene: ACVRL1 (activin A receptor like type 1; plus strand). Cytogenetic location: 12q13.13.
Variant type: single nucleotide variant.
Coding change: c.262T>G on transcript NM_000020.3 (MANE Select); coding-DNA position 262, T replaced by G.
Protein change: p.Tyr88Asp; replaces tyrosine 88 with aspartic acid.
Molecular consequence: missense variant.
Genome position (GRCh38, 1-based): chr12:51,913,299, T>G. VCF-style: chr12-51913299-T-G. GRCh37 (hg19) VCF-style: chr12-52307083-T-G.
Other names: p.Tyr88Asp; c.262T>G, p.Tyr88Asp (NM_001077401.2); short protein forms Y88D.
Identifiers: ClinVar variation 523311 (VCV000523311.5), dbSNP rs1555152518, ClinGen allele CA384898024.